The following is an entry in ClinVar:

ClinVar aggregate classification (germline): Likely pathogenic (1 of 4 stars; one submission).

Conditions:
Congenital dyserythropoietic anemia, type II (CDAN2). Also called: DYSERYTHROPOIETIC ANEMIA, HEMPAS TYPE. Identifiers: Orphanet 98873, MedGen C1306589, MONDO:0009134, OMIM 224100.

gnomAD v4.1: 6 of 1,592,280 alleles (0.00038%); highest among the groups gnomAD compares: Admixed American, 0.0067%; no homozygotes.

Submission:

BloodGenetics
Classification: Likely pathogenic for Congenital dyserythropoietic anemia, type II. Last evaluated: 2025-03-12. Review status: criteria provided, single submitter. Criteria: ACMG Guidelines, 2015. Collection method: clinical testing. Allele origin: germline. Affected: yes. Observed: 1 variant allele.
Comment: The NM_006363.6(SEC23B): c.1968T>G (p.Phe656Leu) missense variant replace phenylalanine, which is nonpolar and aromatic, with leucine, which is nonpolar and aliphatic, at codon 656 of the SEC23B protein (p.Phe656Leu). This variant is reported in the literature in one individual affected with congenital dyserythropoietic anemia (CDA) type II (PMID: 20015893). This variant is so far not included in ClinVar. This variant is present in population databases with very low frequency (rs950160004, gnomAD 0.0004%). This case is published in paper PMID: 37373084 where functional studies for this variant and other variants were done. In summary, this variant meets criteria to be classified as likely pathogenic for CDA type II based on the ACMG/AMP criteria applied: PP3 strong, PM2 supporting, PP2 supporting, PP5 supporting.

Literature cited by the submitters: PubMed 37373084.

NM_006363.6(SEC23B):c.1968T>G (p.Phe656Leu)

Gene: SEC23B (SEC23 homolog B, COPII component; plus strand). Cytogenetic location: 20p11.23.
Variant type: single nucleotide variant.
Coding change: c.1968T>G on transcript NM_006363.6 (MANE Select); coding-DNA position 1968, T replaced by G.
Protein change: p.Phe656Leu; replaces phenylalanine 656 with leucine.
Molecular consequence: missense variant.
Genome position (GRCh38, 1-based): chr20:18,551,151, T>G. VCF-style: chr20-18551151-T-G. GRCh37 (hg19) VCF-style: chr20-18531795-T-G.
Other names: c.1968T>G, p.Phe656Leu (NM_001172745.3, NM_032985.6, NM_032986.5); c.1914T>G, p.Phe638Leu (NM_001172746.3); short protein forms F638L, F656L.
Identifiers: ClinVar variation 3896704 (VCV003896704.1).
Genomic context (GRCh38, chr20:18,551,151, plus strand): 5'-AGTACTCTTGGATAGCAGCAGCATTCTAGCTGACAGAATTTTGCTGATGGATACTTTCTT[T>G]CAAATTGTCATTTATCTTGGTGAGGTAAGATGATATTATTAATTAATTAATTTCTTTTTG-3'
Protein context (NP_006354.2, residues 646-666): ADRILLMDTF[Phe656Leu]QIVIYLGETI